The following is an entry in ClinVar:

NM_020549.5(CHAT):c.1612G>A (p.Ala538Thr)

Gene: CHAT (choline O-acetyltransferase; plus strand). Cytogenetic location: 10q11.23.
Variant type: single nucleotide variant.
Coding change: c.1612G>A on transcript NM_020549.5 (MANE Select); coding-DNA position 1612, G replaced by A.
Protein change: p.Ala538Thr; replaces alanine 538 with threonine.
Molecular consequence: missense variant.
Genome position (GRCh38, 1-based): chr10:49,651,984, G>A. VCF-style: chr10-49651984-G-A. GRCh37 (hg19) VCF-style: chr10-50860030-G-A.
Other names: c.1258G>A, p.Ala420Thr (NM_001142929.2, NM_001142934.2, NM_020984.4 and 2 more transcripts); c.1366G>A, p.Ala456Thr (NM_001142933.2); short protein forms A538T, A420T, A456T.
Identifiers: ClinVar variation 4992200 (VCV004992200.1).
Genomic context (GRCh38, chr10:49,651,984, plus strand): 5'-AACTATGGGAAAACATTCATTAAGAAGCAGAAATGCAGCCCTGATGCCTTCATCCAGGTG[G>A]CCCTCCAGCTGGCCTTCTACAGGTGAGTGAAGGTGGAGTGAGTCTGTACCCTGGAGGGCT-3'
Protein context (NP_065574.4, residues 528-548): KCSPDAFIQV[Ala538Thr]LQLAFYRLHR

ClinVar aggregate classification (germline): Uncertain significance (1 of 4 stars; one submission).

Conditions:
CHAT-related disorder. Also called: CHAT-related condition.

Submission:

PreventionGenetics, part of Exact Sciences
Classification: Uncertain significance for CHAT-related condition. Last evaluated: 2026-05-14. Review status: criteria provided, single submitter. Criteria: ACMG Guidelines, 2015. Collection method: clinical testing. Allele origin: germline.
Comment: The CHAT c.1612G>A variant is predicted to result in the amino acid substitution p.Ala538Thr. To our knowledge, this variant has not been reported in the literature or in a large population database (gnomAD), indicating this variant is rare. At this time, the clinical significance of this variant is uncertain due to the absence of conclusive functional and genetic evidence.